The following is an entry in ClinVar:

ClinVar aggregate classification (germline): Uncertain significance (1 of 4 stars; one submission).

Conditions:
Mowat-Wilson syndrome (MOWS). Also called: Classic Mowat-Wilson Syndrome. Identifiers: Orphanet 2152, MedGen C1856113, MONDO:0009341, OMIM 235730.

Submission:

Labcorp Genetics (formerly Invitae), Labcorp
Classification: Uncertain significance for Mowat-Wilson syndrome. Last evaluated: 2024-05-21. Review status: criteria provided, single submitter. Criteria: Invitae Variant Classification Sherloc (09022015). Collection method: clinical testing. Allele origin: germline.
Comment: This variant, c.3549_3551del, results in the deletion of 1 amino acid(s) of the ZEB2 protein (p.Glu1184del), but otherwise preserves the integrity of the reading frame. This variant is present in population databases (rs752624877, gnomAD 0.0009%). This variant has not been reported in the literature in individuals affected with ZEB2-related conditions. Experimental studies and prediction algorithms are not available or were not evaluated, and the functional significance of this variant is currently unknown. In summary, the available evidence is currently insufficient to determine the role of this variant in disease. Therefore, it has been classified as a Variant of Uncertain Significance.

NM_014795.4(ZEB2):c.3546AGA[1] (p.Glu1184del)

Gene: ZEB2 (zinc finger E-box binding homeobox 2; minus strand). Cytogenetic location: 2q22.3.
Variant type: Microsatellite.
Coding change: c.3546AGA[1] on transcript NM_014795.4 (MANE Select); one copy of the 3-base unit AGA starting at c.3546; the reference has two copies in a row; one copy, 3 bases deleted.
Protein change: p.Glu1184del; deletes glutamic acid 1184.
Genome position (GRCh38, 1-based): chr2:144,389,545-144,389,547, TCT deleted on the plus strand (AGA on the coding strand, the reverse complement: ZEB2 is on the minus strand); deleting any 3 consecutive bases within chr2:144,389,545-144,389,552 gives the same sequence; the position shown is the placement nearest the transcript's 3' end. VCF-style (leftmost placement, unchanged base first): chr2-144389544-CTCT-C. GRCh37 (hg19) VCF-style: chr2-145147111-CTCT-C.
Other names: c.3474AGA[1], p.Glu1160del (NM_001171653.2); short protein forms E1160del, E1184del.
Identifiers: ClinVar variation 3678278 (VCV003678278.2).